The following is an entry in ClinVar:

ClinVar aggregate classification (germline): Uncertain significance (1 of 4 stars; one submission).

Conditions:
Marfan syndrome (MFS). Also called: MARFAN SYNDROME, TYPE I; Marfan syndrome type 1; Marfan's syndrome; Marfan syndrome, classic; FBN1-Related Marfan Syndrome. Identifiers: Orphanet 284963, Orphanet 558, MedGen C0024796, MONDO:0007947, OMIM 154700.

Submission:

Clinical and Biomedical Sciences, University of Exeter
Classification: Uncertain significance for Marfan syndrome. Last evaluated: 2025-02-28. Review status: criteria provided, single submitter. Criteria: ACMG Guidelines, 2015. Collection method: research. Allele origin: germline. Affected: yes. Study: 100,000 Genomes Project.
Comment: RT-PCR confirms inclusion of a 81bp pseudoexon and 27 new amino acids predicted, r.6163_6164ins81, p.(D2055_L2056insCGLCVMRGVLEGFKKSSSRENTVHTSD).

NM_000138.5(FBN1):c.6164-922del

Gene: FBN1 (fibrillin 1; minus strand). Cytogenetic location: 15q21.1.
Variant type: Deletion.
Coding change: c.6164-922del on transcript NM_000138.5 (MANE Select); 922 bases into the intron before coding-DNA position 6164, one base deleted (T; older notation c.6164-922delT).
Molecular consequence: intron variant.
Genome position (GRCh38, 1-based): chr15:48,438,839, A deleted on the plus strand (T on the coding strand, the reverse complement: FBN1 is on the minus strand); the first of 2 consecutive A bases (chr15:48,438,839-48,438,840); deleting either gives the same sequence. VCF-style (leftmost placement, unchanged base first): chr15-48438838-CA-C. GRCh37 (hg19) VCF-style: chr15-48731035-CA-C.
Other names: c.6164-922del (NM_001406716.1).
Identifiers: ClinVar variation 3769617 (VCV003769617.1).